The following is an entry in ClinVar:

ClinVar aggregate classification (germline): Conflicting classifications of pathogenicity. Review status: criteria provided, conflicting classifications (1 of 4 stars). 12 submissions from 12 submitters: Uncertain significance (1); Likely benign (9). 2 of the submissions do not count toward it. Last evaluated 2026-08-01.

Conditions:
Inborn genetic diseases. Identifiers: MedGen C0950123, MeSH D030342.
Wilson disease (WND). Also called: Wilson's disease. Identifiers: Orphanet 905, MedGen C0019202, MONDO:0010200, OMIM 277900. Disease mechanism: loss of function.

Allele frequency attached by ClinVar (database versions not stated): ESP Exome Variant Server 0.00008; ExAC 0.00009; gnomAD exomes 0.00015 and 0.00042; 1000 Genomes Project 30x 0.00016; TOPMed 0.00016; gnomAD 0.00019; 1000 Genomes Project 0.00020.
gnomAD v4.1: 638 of 1,613,958 alleles (0.04%); highest among the groups gnomAD compares: Non-Finnish European, 0.051%; no homozygotes.

Submissions (12):

CeGaT Center for Human Genetics Tuebingen
Classification: Likely benign. Last evaluated: 2026-08-01. Review status: criteria provided, single submitter. Criteria: CeGaT Center For Human Genetics Tuebingen Variant Classification Criteria Version 2. Collection method: clinical testing. Allele origin: germline. Affected: yes. Observed: 1 variant allele.
Comment: ATP7B: BP4, BP7

Labcorp Genetics (formerly Invitae), Labcorp
Classification: Likely benign for Wilson disease. Last evaluated: 2026-01-21. Review status: criteria provided, single submitter. Criteria: Invitae Variant Classification Sherloc (09022015). Collection method: clinical testing. Allele origin: germline.

All of Us Research Program, National Institutes of Health
Classification: Likely benign for Wilson disease. Last evaluated: 2024-01-11. Review status: criteria provided, single submitter. Criteria: ACMG Guidelines, 2015. Collection method: clinical testing. Allele origin: germline. Inheritance: Autosomal recessive inheritance. Observed: 53 variant alleles, 53 heterozygotes.
Comment: This study involves interpretation of variants in research participants for the purpose of population health screening. Participant phenotype was not available at the time of variant classification. Additional details can be found in publication PMID: 35346344, PMCID: PMC8962531

Color Diagnostics, LLC DBA Color Health
Classification: Likely benign for Wilson disease. Last evaluated: 2022-06-15. Review status: criteria provided, single submitter. Criteria: ACMG Guidelines, 2015. Collection method: clinical testing. Allele origin: germline.

Ambry Genetics
Classification: Likely benign for Inborn genetic diseases. Last evaluated: 2022-06-14. Review status: criteria provided, single submitter. Criteria: Ambry Variant Classification Scheme 2023. Collection method: clinical testing. Allele origin: germline.

Women's Health and Genetics/Laboratory Corporation of America, LabCorp
Classification: Likely benign. Last evaluated: 2021-09-20. Review status: criteria provided, single submitter. Criteria: LabCorp Variant Classification Summary - May 2015. Collection method: clinical testing. Allele origin: germline.

GeneDx
Classification: Likely benign. Last evaluated: 2018-11-16. Review status: criteria provided, single submitter. Criteria: GeneDx Variant Classification Process June 2021. Collection method: clinical testing. Allele origin: germline. Affected: yes.

Illumina Laboratory Services, Illumina
Classification: Uncertain significance for Wilson disease. Last evaluated: 2018-01-13. Review status: criteria provided, single submitter. Criteria: ICSL Variant Classification Criteria 13 December 2019. Collection method: clinical testing. Allele origin: germline.

Genetic Services Laboratory, University of Chicago
Classification: Likely benign. Last evaluated: 2017-06-15. Review status: criteria provided, single submitter. Criteria: ACMG Guidelines, 2015. Collection method: clinical testing. Allele origin: germline. Affected: no.

PreventionGenetics, part of Exact Sciences
Classification: Likely benign. Review status: criteria provided, single submitter. Criteria: ACMG Guidelines, 2015. Collection method: clinical testing. Allele origin: germline.

Clinical Genetics DNA and cytogenetics Diagnostics Lab, Erasmus MC, Erasmus Medical Center
Classification: Likely benign. Review status: no assertion criteria provided. Collection method: clinical testing. Allele origin: germline. Affected: yes. Study: VKGL Data-share Consensus. Not counted in ClinVar's aggregate classification.

Genome Diagnostics Laboratory, Amsterdam University Medical Center
Classification: Likely benign. Review status: no assertion criteria provided. Collection method: clinical testing. Allele origin: germline. Affected: yes. Study: VKGL Data-share Consensus. Not counted in ClinVar's aggregate classification.

NM_000053.4(ATP7B):c.3069T>C (p.Thr1023=)

Gene: ATP7B (ATPase copper transporting beta; minus strand). Cytogenetic location: 13q14.3.
Variant type: single nucleotide variant.
Coding change: c.3069T>C on transcript NM_000053.4 (MANE Select); coding-DNA position 3069, T replaced by C.
Protein change: p.Thr1023=; no amino-acid change (threonine 1023 retained).
Molecular consequence: synonymous variant.
Genome position (GRCh38, 1-based): chr13:51,944,283, A>G on the plus strand (T>C on the coding strand, the complement: ATP7B is on the minus strand). VCF-style: chr13-51944283-A-G. GRCh37 (hg19) VCF-style: chr13-52518419-A-G.
Other names: c.2448T>C, p.Thr816= (NM_001005918.3); c.2736T>C, p.Thr912= (NM_001243182.2); c.2835T>C, p.Thr945= (NM_001330578.2); c.2817T>C, p.Thr939= (NM_001330579.2).
Identifiers: ClinVar variation 210484 (VCV000210484.32), dbSNP rs187343742, ClinGen allele CA205295.
Genomic context (GRCh38, chr13:51,944,283, plus strand): 5'-GAGCACCCGCATGACCCTGGGGACGCCATGGGTAATGGTGCCAGTCTTGTCAAACATCAC[A>G]GTCTTTATCTGCCAAAAACAACCACAACTCACTGACCACAATACAGATGGAGGGGCTTCC-3'
Protein context (NP_000044.2, residues 1013-1033): KPLEMAHKIK[Thr1023=]VMFDKTGTIT